The following is an entry in ClinVar:

NM_012330.4(KAT6B):c.6058C>G (p.Pro2020Ala)

Gene: KAT6B (lysine acetyltransferase 6B; plus strand). Cytogenetic location: 10q22.2.
Variant type: single nucleotide variant.
Coding change: c.6058C>G on transcript NM_012330.4 (MANE Select); coding-DNA position 6058, C replaced by G.
Protein change: p.Pro2020Ala; replaces proline 2020 with alanine.
Molecular consequence: missense variant.
Genome position (GRCh38, 1-based): chr10:75,030,882, C>G. VCF-style: chr10-75030882-C-G. GRCh37 (hg19) VCF-style: chr10-76790640-C-G.
Other names: c.5509C>G, p.Pro1837Ala (NM_001256468.2, NM_001370138.1); c.5182C>G, p.Pro1728Ala (NM_001256469.2, NM_001370139.1, NM_001370140.1 and 2 more transcripts); c.5020C>G, p.Pro1674Ala (NM_001370132.1); c.4369C>G, p.Pro1457Ala (NM_001370133.1); c.3973C>G, p.Pro1325Ala (NM_001370134.1); c.3715C>G, p.Pro1239Ala (NM_001370135.1); c.6058C>G, p.Pro2020Ala (NM_001370136.1, NM_001370137.1); c.4993C>G, p.Pro1665Ala (NM_001370143.1, NM_001370144.1); and 1 more; short protein forms P1665A, P1239A, P1728A, P1674A, P1837A, P1325A, P1457A, P2020A.
Identifiers: ClinVar variation 2181273 (VCV002181273.6), dbSNP rs770958025, ClinGen allele CA377302862.

ClinVar aggregate classification (germline): Uncertain significance. Review status: criteria provided, multiple submitters, no conflicts (2 of 4 stars). 3 submissions from 3 submitters: Uncertain significance (2). 1 of the submissions does not count toward it. Last evaluated 2025-08-14.

Conditions:
Genitopatellar syndrome (GTPTS). Also called: Genitopatellar syndrome (GPS); ABSENT PATELLAE, SCROTAL HYPOPLASIA, RENAL ANOMALIES, FACIAL DYSMORPHISM, AND MENTAL RETARDATION. Identifiers: Orphanet 85201, MedGen C1853566, MONDO:0011640, OMIM 606170.
Inborn genetic diseases. Identifiers: MedGen C0950123, MeSH D030342.
KAT6B-related disorder. Also called: KAT6B-related disorders; KAT6B-related condition.

gnomAD v4.1: 4 of 1,614,058 alleles (0.00025%); highest among the groups gnomAD compares: Non-Finnish European, 0.00034%; no homozygotes.

Submissions (3):

Ambry Genetics
Classification: Uncertain significance for Inborn genetic diseases. Last evaluated: 2025-08-14. Review status: criteria provided, single submitter. Criteria: Ambry Variant Classification Scheme 2023. Collection method: clinical testing. Allele origin: germline.

Labcorp Genetics (formerly Invitae), Labcorp
Classification: Uncertain significance for Genitopatellar syndrome. Last evaluated: 2022-09-05. Review status: criteria provided, single submitter. Criteria: Invitae Variant Classification Sherloc (09022015). Collection method: clinical testing. Allele origin: germline.
Comment: In summary, the available evidence is currently insufficient to determine the role of this variant in disease. Therefore, it has been classified as a Variant of Uncertain Significance. This sequence change replaces proline, which is neutral and non-polar, with alanine, which is neutral and non-polar, at codon 2020 of the KAT6B protein (p.Pro2020Ala). This variant is not present in population databases (gnomAD no frequency). This variant has not been reported in the literature in individuals affected with KAT6B-related conditions. Algorithms developed to predict the effect of missense changes on protein structure and function are either unavailable or do not agree on the potential impact of this missense change (SIFT: "Tolerated"; PolyPhen-2: "Probably Damaging"; Align-GVGD: "Class C0").

PreventionGenetics, part of Exact Sciences
Classification: Uncertain significance for KAT6B-related condition. Last evaluated: 2024-06-11. Review status: no assertion criteria provided. Collection method: clinical testing. Allele origin: germline. Not counted in ClinVar's aggregate classification.
Comment: The KAT6B c.6058C>G variant is predicted to result in the amino acid substitution p.Pro2020Ala. To our knowledge, this variant has not been reported in the literature or in a large population database, indicating this variant is rare. At this time, the clinical significance of this variant is uncertain due to the absence of conclusive functional and genetic evidence.